The following is an entry in ClinVar:

NM_172107.4(KCNQ2):c.1981G>A (p.Ala661Thr)

Gene: KCNQ2 (potassium voltage-gated channel subfamily Q member 2; minus strand). Cytogenetic location: 20q13.33.
Variant type: single nucleotide variant.
Coding change: c.1981G>A on transcript NM_172107.4 (MANE Select); coding-DNA position 1981, G replaced by A.
Protein change: p.Ala661Thr; replaces alanine 661 with threonine.
Molecular consequence: missense variant.
Genome position (GRCh38, 1-based): chr20:63,407,282, C>T on the plus strand (G>A on the coding strand, the complement: KCNQ2 is on the minus strand). VCF-style: chr20-63407282-C-T. GRCh37 (hg19) VCF-style: chr20-62038635-C-T.
Other names: c.2035G>A, p.Ala679Thr (NM_001382235.1); c.1897G>A, p.Ala633Thr (NM_004518.6); c.1927G>A, p.Ala643Thr (NM_172106.3); c.1888G>A, p.Ala630Thr (NM_172108.5); short protein forms A630T, A633T, A643T, A661T, A679T.
Identifiers: ClinVar variation 3603663 (VCV003603663.2).

ClinVar aggregate classification (germline): Uncertain significance (1 of 4 stars; one submission).

Conditions:
Early-infantile DEE. Also called: Early infantile epileptic encephalopathy; Ohtahara syndrome; Early infantile epileptic encephalopathy with suppression bursts. Identifiers: Orphanet 1934, MedGen C0393706, MONDO:0800491.

Submission:

Labcorp Genetics (formerly Invitae), Labcorp
Classification: Uncertain significance for Early-infantile DEE. Last evaluated: 2024-04-20. Review status: criteria provided, single submitter. Criteria: Invitae Variant Classification Sherloc (09022015). Collection method: clinical testing. Allele origin: germline.
Comment: This sequence change replaces alanine, which is neutral and non-polar, with threonine, which is neutral and polar, at codon 661 of the KCNQ2 protein (p.Ala661Thr). This variant is not present in population databases (gnomAD no frequency). This variant has not been reported in the literature in individuals affected with KCNQ2-related conditions. An algorithm developed to predict the effect of missense changes on protein structure and function (PolyPhen-2) suggests that this variant is likely to be tolerated. In summary, the available evidence is currently insufficient to determine the role of this variant in disease. Therefore, it has been classified as a Variant of Uncertain Significance.